The following is an entry in ClinVar:

ClinVar aggregate classification (germline): Uncertain significance (1 of 4 stars; one submission).

Conditions:
MAGEL2-related disorder. Also called: MAGEL2-related condition.

gnomAD v4.1: 10 of 1,395,156 alleles (0.00072%); highest among the groups gnomAD compares: South Asian, 0.0016%; no homozygotes.

Submission:

PreventionGenetics, part of Exact Sciences
Classification: Uncertain significance for MAGEL2-related condition. Last evaluated: 2025-07-28. Review status: criteria provided, single submitter. Criteria: ACMG Guidelines, 2015. Collection method: clinical testing. Allele origin: germline.
Comment: The MAGEL2 c.1631C>T variant is predicted to result in the amino acid substitution p.Thr544Met. To our knowledge, this variant has not been reported in the literature or in a large population database (gnomAD), indicating this variant is rare. At this time, the clinical significance of this variant is uncertain due to the absence of conclusive functional and genetic evidence.

NM_019066.5(MAGEL2):c.1631C>T (p.Thr544Met)

Gene: MAGEL2 (MAGE family member L2; minus strand). Cytogenetic location: 15q11.2.
Variant type: single nucleotide variant.
Coding change: c.1631C>T on transcript NM_019066.5 (MANE Select); coding-DNA position 1631, C replaced by T.
Protein change: p.Thr544Met; replaces threonine 544 with methionine.
Molecular consequence: missense variant.
Genome position (GRCh38, 1-based): chr15:23,646,112, G>A on the plus strand (C>T on the coding strand, the complement: MAGEL2 is on the minus strand). VCF-style: chr15-23646112-G-A. GRCh37 (hg19) VCF-style: chr15-23891259-G-A.
Other names: short protein forms T544M.
Identifiers: ClinVar variation 4984585 (VCV004984585.1).
Genomic context (GRCh38, chr15:23,646,112, plus strand): 5'-GGCTGGGGCACCTGCGGGCCAGCGGGCGGCGCCGCGGGTACCTGCGTAGCAGGTGGGGCC[G>A]TAGGCACCTGCGGCGCCGCCTGCACCTGCGGGGCCGGCAGCCTAGCCTGCGGGGCCTGCC-3'
Protein context (NP_061939.3, residues 534-554): PQVQAAPQVP[Thr544Met]APPATQVPAA